The following is an entry in ClinVar:

ClinVar aggregate classification (germline): Pathogenic/Likely pathogenic. Review status: criteria provided, multiple submitters, no conflicts (2 of 4 stars). 6 submissions from 6 submitters: Pathogenic (3); Likely pathogenic (3). Last evaluated 2026-08-06.

Conditions:
PROM1-related disorder. Also called: PROM1-related condition; PROM1-related disorders.
Retinitis pigmentosa 41 (RP41). Also called: RETINAL DEGENERATION, AUTOSOMAL RECESSIVE, PROMININ-RELATED. Identifiers: Orphanet 791, MedGen C2677516, MONDO:0012796, OMIM 612095.
Stargardt disease 4 (STGD4). Identifiers: Orphanet 827, MedGen C1863534, MONDO:0011370, OMIM 603786.
Cone-rod dystrophy 12 (CORD12). Identifiers: Orphanet 1872, MedGen C2675210, MONDO:0012983, OMIM 612657.

Allele frequency attached by ClinVar (database versions not stated): TOPMed below 0.00001; gnomAD exomes 0.00001 and 0.00003; ExAC 0.00004; ESP Exome Variant Server 0.00008.

Submissions (6):

OLLIN Analises Genomicas, OLLIN
Classification: Likely pathogenic for Stargardt disease 4. Last evaluated: 2026-08-06. Review status: criteria provided, single submitter. Criteria: ACMG Guidelines 2015 PMID 25741868. Collection method: clinical testing. Allele origin: germline.
Comment: This nonsense variant, located in exon 7 (of 28), has been reported in ClinVar (accession VCV000802057.42) and in gnomAD with an allele frequency of 0.00093%. However, to our knowledge, it has not been reported in the scientific literature. This variant introduces a premature stop codon, which is predicted to result in either a truncated protein or degradation of the mRNA via nonsense-mediated decay (NMD). According to the currently available evidence, this variant has been classified as likely pathogenic (PVS1, PM2).

CeGaT Center for Human Genetics Tuebingen
Classification: Pathogenic. Last evaluated: 2026-03-01. Review status: criteria provided, single submitter. Criteria: CeGaT Center For Human Genetics Tuebingen Variant Classification Criteria Version 2. Collection method: clinical testing. Allele origin: germline. Affected: yes. Observed: 2 variant alleles.
Comment: PROM1: PVS1, PM2, PM3:Supporting

Labcorp Genetics (formerly Invitae), Labcorp
Classification: Pathogenic. Last evaluated: 2025-11-11. Review status: criteria provided, single submitter. Criteria: Invitae Variant Classification Sherloc (09022015). Collection method: clinical testing. Allele origin: germline.
Comment: This sequence change creates a premature translational stop signal (p.Gln218*) in the PROM1 gene. It is expected to result in an absent or disrupted protein product. Loss-of-function variants in PROM1 are known to be pathogenic (PMID: 17605048, 19718270, 24154662, 25474345). This variant is present in population databases (rs374017889, gnomAD 0.005%). This variant has not been reported in the literature in individuals affected with PROM1-related conditions. ClinVar contains an entry for this variant (Variation ID: 802057). For these reasons, this variant has been classified as Pathogenic.

Blueprint Genetics
Classification: Likely pathogenic for PROM1-related disorders. Last evaluated: 2019-09-05. Review status: criteria provided, single submitter. Criteria: ACMG Guidelines, 2015. Collection method: clinical testing. Allele origin: germline. Affected: yes. Observed: 3 variant alleles.

Mendelics
Classification: Pathogenic for Retinitis pigmentosa 41. Last evaluated: 2019-05-28. Review status: criteria provided, single submitter. Criteria: Mendelics Assertion Criteria 2017. Collection method: clinical testing. Allele origin: unknown.

Centre for Mendelian Genomics, University Medical Centre Ljubljana
Classification: Likely pathogenic for Cone-rod dystrophy 12. Last evaluated: 2019-01-03. Review status: criteria provided, single submitter. Criteria: ACMG Guidelines, 2015. Collection method: clinical testing. Allele origin: unknown. Affected: yes.
Comment: This variant was classified as: Likely pathogenic. The following ACMG criteria were applied in classifying this variant: PVS1,PM2.

Literature cited by the submitters: PubMed 17605048 (cited by Labcorp Genetics (formerly Invitae), Labcorp); PubMed 19718270 (cited by Labcorp Genetics (formerly Invitae), Labcorp); PubMed 24154662 (cited by Labcorp Genetics (formerly Invitae), Labcorp); PubMed 25474345 (cited by Labcorp Genetics (formerly Invitae), Labcorp).

NM_006017.3(PROM1):c.652C>T (p.Gln218Ter)

Gene: PROM1 (prominin 1; minus strand). Cytogenetic location: 4p15.32.
Variant type: single nucleotide variant.
Coding change: c.652C>T on transcript NM_006017.3 (MANE Select); coding-DNA position 652, C replaced by T.
Protein change: p.Gln218Ter; replaces glutamine 218 with a stop codon.
Molecular consequence: nonsense.
Genome position (GRCh38, 1-based): chr4:16,024,337, G>A on the plus strand (C>T on the coding strand, the complement: PROM1 is on the minus strand). VCF-style: chr4-16024337-G-A. GRCh37 (hg19) VCF-style: chr4-16025960-G-A.
Other names: c.625C>T, p.Gln209Ter (NM_001145847.2, NM_001145848.2, NM_001145851.2 and 4 more transcripts); c.652C>T, p.Gln218Ter (NM_001145849.2, NM_001145850.2); short protein forms Q209*, Q218*.
Identifiers: ClinVar variation 802057 (VCV000802057.45), dbSNP rs374017889, ClinGen allele CA2867009.
Genomic context (GRCh38, chr4:16,024,337, plus strand): 5'-ACTTTAAATTTTACTCACTGTTCAGATCTGTGAACGCCTTGTCCTTGGTAGTGTTGTACT[G>A]GGCCAATATATATTTGATTTGCTGAAAAAAGAACATTCTGTGAAACCTCCCCTTCTAAGG-3'